The following is an entry in ClinVar:

NM_004836.7(EIF2AK3):c.2218C>T (p.Pro740Ser)

Genes: EIF2AK3 (eukaryotic translation initiation factor 2 alpha kinase 3; minus strand), EIF2AK3-AS1 (EIF2AK3 antisense RNA 1; plus strand). Cytogenetic location: 2p11.2.
Variant type: single nucleotide variant.
Coding change: c.2218C>T on transcript NM_004836.7 (MANE Select); coding-DNA position 2218, C replaced by T.
Protein change: p.Pro740Ser; replaces proline 740 with serine.
Molecular consequence: missense variant. On other transcripts: non-coding transcript variant (1).
Genome position (GRCh38, 1-based): chr2:88,575,265, G>A on the plus strand (C>T on the coding strand, the complement: EIF2AK3 is on the minus strand). VCF-style: chr2-88575265-G-A. GRCh37 (hg19) VCF-style: chr2-88874783-G-A.
Other names: c.1765C>T, p.Pro589Ser (NM_001313915.2); short protein forms P740S, P589S.
Identifiers: ClinVar variation 2097183 (VCV002097183.4), dbSNP rs2529129030, ClinGen allele CA347592392.

ClinVar aggregate classification (germline): Uncertain significance (1 of 4 stars; one submission).

Submission:

Labcorp Genetics (formerly Invitae), Labcorp
Classification: Uncertain significance. Last evaluated: 2022-02-12. Review status: criteria provided, single submitter. Criteria: Invitae Variant Classification Sherloc (09022015). Collection method: clinical testing. Allele origin: germline.
Comment: In summary, the available evidence is currently insufficient to determine the role of this variant in disease. Therefore, it has been classified as a Variant of Uncertain Significance. Algorithms developed to predict the effect of missense changes on protein structure and function (SIFT, PolyPhen-2, Align-GVGD) all suggest that this variant is likely to be tolerated. This variant has not been reported in the literature in individuals affected with EIF2AK3-related conditions. This variant is not present in population databases (gnomAD no frequency). This sequence change replaces proline, which is neutral and non-polar, with serine, which is neutral and polar, at codon 740 of the EIF2AK3 protein (p.Pro740Ser).